The following is an entry in ClinVar:

NM_000292.3(PHKA2):c.78+23_78+24insTTC

Gene: PHKA2 (phosphorylase kinase regulatory subunit alpha 2; minus strand). Cytogenetic location: Xp22.13.
Variant type: Insertion.
Coding change: c.78+23_78+24insTTC on transcript NM_000292.3 (MANE Select); bases 23 to 24 of the intron after coding-DNA position 78, TTC inserted.
Molecular consequence: intron variant.
Genome position: GRCh38 VCF-style: chrX-18983831-T-TGAA. GRCh37 (hg19) VCF-style: chrX-19001949-T-TGAA.
Other names: p.?; c.78+23_78+24insTTC (NM_001440804.1, NM_001440803.1, NM_001440802.1 and 3 more transcripts).
Identifiers: ClinVar variation 4684509 (VCV004684509.1).

ClinVar aggregate classification (germline): Likely benign (1 of 4 stars; one submission).

Submission:

Mayo Clinic Laboratories, Mayo Clinic
Classification: Likely benign. Last evaluated: 2025-09-04. Review status: criteria provided, single submitter. Criteria: ACMG Guidelines, 2015. Collection method: clinical testing. Allele origin: germline. Observed: 1 variant allele.
Comment: BP4, BP7